The following is an entry in ClinVar:

NM_001319074.4(RAX2):c.455C>T (p.Ala152Val)

Gene: RAX2 (retina and anterior neural fold homeobox 2; minus strand). Cytogenetic location: 19p13.3.
Variant type: single nucleotide variant.
Coding change: c.455C>T on transcript NM_001319074.4 (MANE Select); coding-DNA position 455, C replaced by T.
Protein change: p.Ala152Val; replaces alanine 152 with valine.
Molecular consequence: missense variant.
Genome position (GRCh38, 1-based): chr19:3,770,721, G>A on the plus strand (C>T on the coding strand, the complement: RAX2 is on the minus strand). VCF-style: chr19-3770721-G-A. GRCh37 (hg19) VCF-style: chr19-3770719-G-A.
Other names: c.455C>T, p.Ala152Val (NM_032753.4); short protein forms A152V.
Identifiers: ClinVar variation 1386110 (VCV001386110.6), dbSNP rs753446591, ClinGen allele CA9085034.

ClinVar aggregate classification (germline): Uncertain significance (1 of 4 stars; one submission).

Allele frequency attached by ClinVar (database versions not stated): TOPMed below 0.00001; gnomAD exomes 0.00001 and 0.00003; ExAC 0.00035.

Submission:

Labcorp Genetics (formerly Invitae), Labcorp
Classification: Uncertain significance. Last evaluated: 2024-12-02. Review status: criteria provided, single submitter. Criteria: Invitae Variant Classification Sherloc (09022015). Collection method: clinical testing. Allele origin: germline.
Comment: This sequence change replaces alanine, which is neutral and non-polar, with valine, which is neutral and non-polar, at codon 152 of the RAX2 protein (p.Ala152Val). The frequency data for this variant in the population databases is considered unreliable, as metrics indicate poor data quality at this position in the gnomAD database. This variant has not been reported in the literature in individuals affected with RAX2-related conditions. ClinVar contains an entry for this variant (Variation ID: 1386110). An algorithm developed to predict the effect of missense changes on protein structure and function (PolyPhen-2) suggests that this variant is likely to be tolerated. In summary, the available evidence is currently insufficient to determine the role of this variant in disease. Therefore, it has been classified as a Variant of Uncertain Significance.